The following is an entry in ClinVar:

ClinVar aggregate classification (germline): not provided (0 of 4 stars; one submission).

Allele frequency attached by ClinVar (database versions not stated): gnomAD exomes 0.00003; 1000 Genomes Project 30x 0.00016; 1000 Genomes Project 0.00020; TOPMed 0.00031; gnomAD 0.00032 and 0.00033.
gnomAD v4.1: 61 of 590,634 alleles (0.01%); highest among the groups gnomAD compares: African/African-American, 0.11%; no homozygotes.

Submission:

Human Evolutionary Genetics, Institut Pasteur
No classification provided. Review status: no classification provided. Collection method: not provided. Allele origin: germline.
ClinVar note: Converted during submission from untested to not provided.

NM_001394894.2(NLRP11):c.1842-128T>C

Gene: NLRP11 (NLR family pyrin domain containing 11; minus strand). Cytogenetic location: 19q13.43.
Variant type: single nucleotide variant.
Coding change: c.1842-128T>C on transcript NM_001394894.2 (MANE Select); 128 bases into the intron before coding-DNA position 1842, T replaced by C.
Molecular consequence: intron variant.
Genome position (GRCh38, 1-based): chr19:55,808,142, A>G on the plus strand (T>C on the coding strand, the complement: NLRP11 is on the minus strand). VCF-style: chr19-55808142-A-G. GRCh37 (hg19) VCF-style: chr19-56319508-A-G.
Other names: c.1545-128T>C (NM_001297743.3); c.1841+627T>C (NM_001385451.2); c.1842-128T>C (NM_001385453.2, NM_145007.5).
Identifiers: ClinVar variation 103271 (VCV000103271.3), dbSNP rs199476238, ClinGen allele CA230347.